The following is an entry in ClinVar:

NM_000138.5(FBN1):c.6096T>A (p.Thr2032=)

Gene: FBN1 (fibrillin 1; minus strand). Cytogenetic location: 15q21.1.
Variant type: single nucleotide variant.
Coding change: c.6096T>A on transcript NM_000138.5 (MANE Select); coding-DNA position 6096, T replaced by A.
Protein change: p.Thr2032=; no amino-acid change (threonine 2032 retained).
Molecular consequence: synonymous variant.
Genome position (GRCh38, 1-based): chr15:48,441,788, A>T on the plus strand (T>A on the coding strand, the complement: FBN1 is on the minus strand). VCF-style: chr15-48441788-A-T. GRCh37 (hg19) VCF-style: chr15-48733985-A-T.
Other names: c.6096T>A, p.Thr2032= (NM_001406716.1).
Identifiers: ClinVar variation 3070347 (VCV003070347.1), dbSNP rs2505446169, ClinGen allele CA490021599.

ClinVar aggregate classification (germline): Likely benign (1 of 4 stars; one submission).

Conditions:
Marfan syndrome (MFS). Also called: MARFAN SYNDROME, TYPE I; Marfan syndrome type 1; Marfan's syndrome; Marfan syndrome, classic; FBN1-Related Marfan Syndrome. Identifiers: Orphanet 284963, Orphanet 558, MedGen C0024796, MONDO:0007947, OMIM 154700.

Submission:

All of Us Research Program, National Institutes of Health
Classification: Likely benign for Marfan syndrome. Last evaluated: 2023-04-10. Review status: criteria provided, single submitter. Criteria: ACMG Guidelines, 2015. Collection method: clinical testing. Allele origin: germline. Inheritance: Autosomal dominant inheritance. Observed: 1 variant allele, 1 heterozygote.
Comment: This study involves interpretation of variants in research participants for the purpose of population health screening. Participant phenotype was not available at the time of variant classification. Additional details can be found in publication PMID: 35346344, PMCID: PMC8962531